The following is an entry in ClinVar:

ClinVar aggregate classification (germline): Uncertain significance (1 of 4 stars; one submission).

Conditions:
Familial adenomatous polyposis 1 (FAP1). Also called: FAMILIAL ADENOMATOUS POLYPOSIS 1, ATTENUATED; POLYPOSIS, ADENOMATOUS INTESTINAL. Identifiers: MedGen C2713442, MONDO:0021056, OMIM 175100. Disease mechanism: loss of function.

Submission:

Labcorp Genetics (formerly Invitae), Labcorp
Classification: Uncertain significance for Familial adenomatous polyposis 1. Last evaluated: 2024-06-02. Review status: criteria provided, single submitter. Criteria: Invitae Variant Classification Sherloc (09022015). Collection method: clinical testing. Allele origin: germline.
Comment: This variant, c.1346_1348del, results in the deletion of 1 amino acid(s) of the APC protein (p.Ala449del), but otherwise preserves the integrity of the reading frame. This variant is not present in population databases (gnomAD no frequency). This variant has not been reported in the literature in individuals affected with APC-related conditions. Experimental studies and prediction algorithms are not available or were not evaluated, and the functional significance of this variant is currently unknown. In summary, the available evidence is currently insufficient to determine the role of this variant in disease. Therefore, it has been classified as a Variant of Uncertain Significance.

NM_000038.6(APC):c.1343CTG[1] (p.Ala449del)

Gene: APC (APC regulator of Wnt signaling pathway; plus strand). Cytogenetic location: 5q22.2.
Variant type: Microsatellite.
Coding change: c.1343CTG[1] on transcript NM_000038.6 (MANE Select); one copy of the 3-base unit CTG starting at c.1343; the reference has two copies in a row; one copy, 3 bases deleted.
Protein change: p.Ala449del; deletes alanine 449.
Molecular consequence: non-coding transcript variant (on NR_176365.1).
Genome position (GRCh38, 1-based): chr5:112,821,929-112,821,931, CTG deleted; deleting any 3 consecutive bases within chr5:112,821,926-112,821,931 gives the same sequence; the position shown is the placement nearest the transcript's 3' end. VCF-style (leftmost placement, unchanged base first): chr5-112821925-CCTG-C. GRCh37 (hg19) VCF-style: chr5-112157622-CCTG-C.
Other names: c.1343CTG[1], p.Ala449del (NM_001127510.3, NM_001354895.2, NM_001354896.2 and 4 more transcripts); c.1289CTG[1], p.Ala431del (NM_001127511.3); c.1070CTG[1], p.Ala358del (NM_001354902.2); c.1040CTG[1], p.Ala348del (NM_001354903.2, NM_001407454.1, NM_001407455.1 and 5 more transcripts); c.965CTG[1], p.Ala323del (NM_001354904.2); c.863CTG[1], p.Ala289del (NM_001354905.2); c.494CTG[1], p.Ala166del (NM_001354906.2, NM_001407470.1); c.1373CTG[1], p.Ala459del (NM_001407446.1, NM_001354897.2); and 5 more; short protein forms A289del, A421del, A424del, A166del, A320del, A358del, A390del, A459del.
Identifiers: ClinVar variation 3655264 (VCV003655264.2).